The following is an entry in ClinVar:

NM_020987.5(ANK3):c.3329-3C>T

Gene: ANK3 (ankyrin 3; minus strand). Cytogenetic location: 10q21.2.
Variant type: single nucleotide variant.
Coding change: c.3329-3C>T on transcript NM_020987.5 (MANE Select); 3 bases into the intron before coding-DNA position 3329, C replaced by T.
Molecular consequence: intron variant.
Genome position (GRCh38, 1-based): chr10:60,088,361, G>A on the plus strand (C>T on the coding strand, the complement: ANK3 is on the minus strand). VCF-style: chr10-60088361-G-A. GRCh37 (hg19) VCF-style: chr10-61848119-G-A.
Other names: c.3311-3C>T (NM_001204403.2); c.3332-3C>T (NM_001204404.2); c.3329-3C>T (NM_001320874.2); c.731-3C>T (NM_001149.4).
Identifiers: ClinVar variation 1965784 (VCV001965784.5), dbSNP rs768645042, ClinGen allele CA5512495.
Genomic context (GRCh38, chr10:60,088,361, plus strand): 5'-TCTTTCGTGATAATCCTGCAGATACGCTTTTTCCCTAACTCTTCTGGGCTATCAAGTTCT[G>A]AAAAGACAAATGAAAGAAAATGCCATGAGAATAAGCATATCTACAACATACCTTAAGTCA-3'

ClinVar aggregate classification (germline): Uncertain significance (1 of 4 stars; one submission).

Allele frequency attached by ClinVar (database versions not stated): gnomAD exomes below 0.00001; TOPMed below 0.00001; ExAC 0.00001; gnomAD 0.00001.
gnomAD v4.1: 3 of 1,612,816 alleles (0.00019%); highest among the groups gnomAD compares: Non-Finnish European, 0.00025%; no homozygotes.

Submission:

Labcorp Genetics (formerly Invitae), Labcorp
Classification: Uncertain significance. Last evaluated: 2022-07-23. Review status: criteria provided, single submitter. Criteria: Invitae Variant Classification Sherloc (09022015). Collection method: clinical testing. Allele origin: germline.
Comment: In summary, the available evidence is currently insufficient to determine the role of this variant in disease. Therefore, it has been classified as a Variant of Uncertain Significance. Variants that disrupt the consensus splice site are a relatively common cause of aberrant splicing (PMID: 17576681, 9536098). Algorithms developed to predict the effect of sequence changes on RNA splicing suggest that this variant is not likely to affect RNA splicing. This variant has not been reported in the literature in individuals affected with ANK3-related conditions. This variant is present in population databases (rs768645042, gnomAD 0.0009%). This sequence change falls in intron 28 of the ANK3 gene. It does not directly change the encoded amino acid sequence of the ANK3 protein. It affects a nucleotide within the consensus splice site.

Literature cited by the submitters: PubMed 17576681; PubMed 9536098.